The following is an entry in ClinVar:

ClinVar aggregate classification (germline): Uncertain significance (1 of 4 stars; one submission).

Conditions:
Inborn genetic diseases. Identifiers: MedGen C0950123, MeSH D030342.

Submission:

Ambry Genetics
Classification: Uncertain significance for Inborn genetic diseases. Last evaluated: 2025-02-23. Review status: criteria provided, single submitter. Criteria: Ambry Variant Classification Scheme 2023. Collection method: clinical testing. Allele origin: germline.
Comment: The p.A265E variant (also known as c.794C>A), located in coding exon 1 of the CEBPA gene, results from a C to A substitution at nucleotide position 794. The alanine at codon 265 is replaced by glutamic acid, an amino acid with dissimilar properties. This amino acid position is conserved. In addition, this alteration is predicted to be tolerated by in silico analysis. Based on the available evidence, the clinical significance of this variant remains unclear.

NM_004364.5(CEBPA):c.794C>A (p.Ala265Glu)

Gene: CEBPA (CCAAT enhancer binding protein alpha; minus strand). Cytogenetic location: 19q13.11.
Variant type: single nucleotide variant.
Coding change: c.794C>A on transcript NM_004364.5 (MANE Select); coding-DNA position 794, C replaced by A.
Protein change: p.Ala265Glu; replaces alanine 265 with glutamic acid.
Molecular consequence: missense variant.
Genome position (GRCh38, 1-based): chr19:33,301,621, G>T on the plus strand (C>A on the coding strand, the complement: CEBPA is on the minus strand). VCF-style: chr19-33301621-G-T. GRCh37 (hg19) VCF-style: chr19-33792527-G-T.
Other names: c.437C>A, p.Ala146Glu (NM_001285829.2); c.899C>A, p.Ala300Glu (NM_001287424.2); c.752C>A, p.Ala251Glu (NM_001287435.2); short protein forms A146E, A265E, A300E, A251E.
Identifiers: ClinVar variation 3831234 (VCV003831234.1).
Genomic context (GRCh38, chr19:33,301,621, plus strand): 5'-TACTCGTTGCTGTTCTTGTCCACCGACTTCTTGGCCTTGCCCGCGCCGCTGCCGCCACTC[G>T]CGCGGAGGTCGGGGTGCGCGGCGCCCAGCCCCTTGAGCGCGCTGCCAGGGCCCGGCAGGC-3'
Protein context (NP_004355.2, residues 255-275): GLGAAHPDLR[Ala265Glu]SGGSGAGKAK